The following is an entry in ClinVar:

NM_024577.4(SH3TC2):c.1877T>C (p.Val626Ala)

Gene: SH3TC2 (SH3 domain and tetratricopeptide repeats 2; minus strand). Cytogenetic location: 5q32.
Variant type: single nucleotide variant.
Coding change: c.1877T>C on transcript NM_024577.4 (MANE Select); coding-DNA position 1877, T replaced by C.
Protein change: p.Val626Ala; replaces valine 626 with alanine.
Molecular consequence: missense variant.
Genome position (GRCh38, 1-based): chr5:149,027,855, A>G on the plus strand (T>C on the coding strand, the complement: SH3TC2 is on the minus strand). VCF-style: chr5-149027855-A-G. GRCh37 (hg19) VCF-style: chr5-148407418-A-G.
Other names: short protein forms V626A.
Identifiers: ClinVar variation 1414618 (VCV001414618.3), dbSNP rs779061678, ClinGen allele CA3499101.

ClinVar aggregate classification (germline): Uncertain significance (1 of 4 stars; one submission).

Conditions:
Charcot-Marie-Tooth disease type 4. Also called: Charcot-Marie-Tooth disease, type IV; Charcot-Marie-Tooth, Type 4. Identifiers: Orphanet 64749, MedGen C4082197, MONDO:0018995.

Allele frequency attached by ClinVar (database versions not stated): ExAC 0.00001; gnomAD 0.00001; gnomAD exomes 0.00001 and 0.00002; TOPMed 0.00001.
gnomAD v4.1: 24 of 1,613,758 alleles (0.0015%); highest among the groups gnomAD compares: Non-Finnish European, 0.002%; no homozygotes.

Submission:

Labcorp Genetics (formerly Invitae), Labcorp
Classification: Uncertain significance for Charcot-Marie-Tooth disease type 4. Last evaluated: 2021-11-03. Review status: criteria provided, single submitter. Criteria: Invitae Variant Classification Sherloc (09022015). Collection method: clinical testing. Allele origin: germline.
Comment: This sequence change replaces valine, which is neutral and non-polar, with alanine, which is neutral and non-polar, at codon 626 of the SH3TC2 protein (p.Val626Ala). This variant is present in population databases (rs779061678, gnomAD 0.003%). This variant has not been reported in the literature in individuals affected with SH3TC2-related conditions. Advanced modeling of protein sequence and biophysical properties (such as structural, functional, and spatial information, amino acid conservation, physicochemical variation, residue mobility, and thermodynamic stability) performed at Invitae indicates that this missense variant is not expected to disrupt SH3TC2 protein function. In summary, the available evidence is currently insufficient to determine the role of this variant in disease. Therefore, it has been classified as a Variant of Uncertain Significance.